The following is an entry in ClinVar:

ClinVar aggregate classification (germline): Likely benign. Review status: criteria provided, multiple submitters, no conflicts (2 of 4 stars). 4 submissions from 4 submitters: Likely benign (4). Last evaluated 2026-07-02.

Conditions:
Cardiovascular phenotype. Identifiers: MedGen CN230736.
Hypercholesterolemia, autosomal dominant, type B (FHCL2). Also called: Familial Hypercholesterolemia Type B; APOLIPOPROTEIN B-100, FAMILIAL DEFECTIVE; APOLIPOPROTEIN B-100, FAMILIAL LIGAND-DEFECTIVE; APOB-Related Familial Hypercholesterolemia, Autosomal Dominant; HYPERCHOLESTEROLEMIA, FAMILIAL, DUE TO LIGAND-DEFECTIVE APOLIPOPROTEIN B; Familial hypercholesterolemia 2. Identifiers: MedGen C1704417, MONDO:0007751, OMIM 144010.
Familial hypobetalipoproteinemia 1. Also called: APOB-Related Familial Hypobetalipoproteinemia; Hypobetalipoproteinemia, normotriglyceridemic; Acanthocytosis with hypobetalipoproteinemia. Identifiers: MedGen C4551990, MONDO:0014252, OMIM 615558.
Familial hypercholesterolemia. Also called: Familial hypercholesterolemias; Familial hypercholesterolaemia. Identifiers: MedGen C0020445, MONDO:0005439.

Allele frequency attached by ClinVar (database versions not stated): gnomAD 0.00001 and 0.00003; TOPMed 0.00004.
gnomAD v4.1: 111 of 1,500,870 alleles (0.0074%); highest among the groups gnomAD compares: Non-Finnish European, 0.0092%; 1 homozygote.

Submissions (4):

GENinCode PLC
Classification: Likely benign for Familial hypercholesterolemia. Last evaluated: 2026-07-02. Review status: criteria provided, single submitter. Criteria: ACMG Guidelines, 2015. Collection method: clinical testing. Allele origin: germline.
Comment: This is a synonymous (silent) variant that is not predicted to impact splicing and occurs at a nucleotide which is not highly conserved. This variant has been classified as Likely Benign (BP4, BP7).

Labcorp Genetics (formerly Invitae), Labcorp
Classification: Likely benign for Familial hypobetalipoproteinemia 1; Hypercholesterolemia, autosomal dominant, type B. Last evaluated: 2025-08-05. Review status: criteria provided, single submitter. Criteria: Invitae Variant Classification Sherloc (09022015). Collection method: clinical testing. Allele origin: germline.

Fulgent Genetics
Classification: Likely benign for Hypercholesterolemia, autosomal dominant, type B; Familial hypobetalipoproteinemia 1. Last evaluated: 2021-10-04. Review status: criteria provided, single submitter. Criteria: ACMG Guidelines, 2015. Collection method: clinical testing. Allele origin: unknown.

Ambry Genetics
Classification: Likely benign for Cardiovascular phenotype. Last evaluated: 2018-04-19. Review status: criteria provided, single submitter. Criteria: Ambry Variant Classification Scheme 2023. Collection method: clinical testing. Allele origin: germline.

NM_000384.3(APOB):c.81C>G (p.Ala27=)

Genes: APOB (apolipoprotein B; minus strand), LOC106560211 (APOB 5' regulatory region; plus strand). Cytogenetic location: 2p24.1.
Variant type: single nucleotide variant.
Coding change: c.81C>G on transcript NM_000384.3 (MANE Select); coding-DNA position 81, C replaced by G.
Protein change: p.Ala27=; no amino-acid change (alanine 27 retained).
Molecular consequence: synonymous variant.
Genome position (GRCh38, 1-based): chr2:21,043,865, G>C on the plus strand (C>G on the coding strand, the complement: APOB is on the minus strand). VCF-style: chr2-21043865-G-C. GRCh37 (hg19) VCF-style: chr2-21266737-G-C.
Identifiers: ClinVar variation 697560 (VCV000697560.26), dbSNP rs768732556, ClinGen allele CA065386.